The following is an entry in ClinVar:

NM_001999.4(FBN2):c.1828A>G (p.Thr610Ala)

Gene: FBN2 (fibrillin 2; minus strand). Cytogenetic location: 5q23.3.
Variant type: single nucleotide variant.
Coding change: c.1828A>G on transcript NM_001999.4 (MANE Select); coding-DNA position 1828, A replaced by G.
Protein change: p.Thr610Ala; replaces threonine 610 with alanine.
Molecular consequence: missense variant.
Genome position (GRCh38, 1-based): chr5:128,377,773, T>C on the plus strand (A>G on the coding strand, the complement: FBN2 is on the minus strand). VCF-style: chr5-128377773-T-C. GRCh37 (hg19) VCF-style: chr5-127713466-T-C.
Other names: short protein forms T610A.
Identifiers: ClinVar variation 3513670 (VCV003513670.1).
Genomic context (GRCh38, chr5:128,377,773, plus strand): 5'-TTTTAAAATCTTTTGCAAGGGAGCAGGCAATTTCCATACCAACACAGTTTTTTCCATCTG[T>C]AGTTAATTCAAAGCCGGCATTGCAAATGCACTGGAAACTTCCATCTGTGTTCACGCATCG-3'
Protein context (NP_001990.2, residues 600-620): CICNAGFELT[Thr610Ala]DGKNCVDHDE

ClinVar aggregate classification (germline): Uncertain significance (1 of 4 stars; one submission).

Conditions:
Familial thoracic aortic aneurysm and aortic dissection (TAAD). Also called: Thoracic aortic aneurysms and dissections. Identifiers: Orphanet 91387, MedGen C4707243, MONDO:0019625.

Submission:

Ambry Genetics
Classification: Uncertain significance for Familial thoracic aortic aneurysm and aortic dissection. Last evaluated: 2024-11-21. Review status: criteria provided, single submitter. Criteria: Ambry Variant Classification Scheme 2023. Collection method: clinical testing. Allele origin: germline.
Comment: The p.T610A variant (also known as c.1828A>G), located in coding exon 13 of the FBN2 gene, results from an A to G substitution at nucleotide position 1828. The threonine at codon 610 is replaced by alanine, an amino acid with similar properties. This amino acid position is not well conserved in available vertebrate species. In addition, the in silico prediction for this alteration is inconclusive. Based on the available evidence, the clinical significance of this variant remains unclear.